The following is an entry in ClinVar:

NM_000059.4(BRCA2):c.6239T>C (p.Leu2080Ser)

Gene: BRCA2 (BRCA2 DNA repair associated; plus strand). Cytogenetic location: 13q13.1.
Variant type: single nucleotide variant.
Coding change: c.6239T>C on transcript NM_000059.4 (MANE Select); coding-DNA position 6239, T replaced by C.
Protein change: p.Leu2080Ser; replaces leucine 2080 with serine.
Molecular consequence: missense variant.
Genome position (GRCh38, 1-based): chr13:32,340,594, T>C. VCF-style: chr13-32340594-T-C. GRCh37 (hg19) VCF-style: chr13-32914731-T-C.
Other names: short protein forms L2080S.
Identifiers: ClinVar variation 1523200 (VCV001523200.13), dbSNP rs80358864, ClinGen allele CA387788904.

ClinVar aggregate classification (germline): Conflicting classifications of pathogenicity. Review status: criteria provided, conflicting classifications (1 of 4 stars). 4 submissions from 4 submitters: Uncertain significance (3); Likely benign (1). Last evaluated 2025-08-01.

Conditions:
Hereditary breast ovarian cancer syndrome. Also called: Hereditary breast and ovarian cancer syndrome; Hereditary breast and/or ovarian cancer syndrome; Hereditary breast and ovarian cancer; Hereditary breast and ovarian cancer syndrome (HBOC); BRCA1- and BRCA2-Associated Hereditary Breast and Ovarian Cancer; Breast and ovarian cancer. Identifiers: Orphanet 145, MedGen C0677776, MeSH D061325, MONDO:0003582. Disease mechanism: loss of function.
Hereditary cancer-predisposing syndrome. Also called: Tumor predisposition; Hereditary neoplastic syndrome; Neoplastic Syndromes, Hereditary; Hereditary Cancer Syndrome. Identifiers: Orphanet 140162, MedGen C0027672, MeSH D009386, MONDO:0015356.
Breast-ovarian cancer, familial, susceptibility to, 2 (BROVCA2). Also called: BRCA2 Hereditary Breast and Ovarian Cancer. Identifiers: Orphanet 145, MedGen C2675520, MONDO:0012933, OMIM 612555. Disease mechanism: loss of function.

Allele frequency attached by ClinVar (database versions not stated): gnomAD exomes below 0.00001.
gnomAD v4.1: 1 of 1,608,634 alleles (0.000062%); highest among the groups gnomAD compares: Non-Finnish European, 0.000085%; no homozygotes.

Submissions (4):

Ambry Genetics
Classification: Uncertain significance for Hereditary cancer-predisposing syndrome. Last evaluated: 2025-08-01. Review status: criteria provided, single submitter. Criteria: Ambry Variant Classification Scheme 2023. Collection method: clinical testing. Allele origin: germline.
Comment: The p.L2080S variant (also known as c.6239T>C), located in coding exon 10 of the BRCA2 gene, results from a T to C substitution at nucleotide position 6239. The leucine at codon 2080 is replaced by serine, an amino acid with dissimilar properties. This amino acid position is not well conserved in available vertebrate species. In addition, the in silico prediction for this alteration is inconclusive. Since supporting evidence is limited at this time, the clinical significance of this alteration remains unclear.

Labcorp Genetics (formerly Invitae), Labcorp
Classification: Uncertain significance for Hereditary breast ovarian cancer syndrome. Last evaluated: 2025-03-09. Review status: criteria provided, single submitter. Criteria: Invitae Variant Classification Sherloc (09022015). Collection method: clinical testing. Allele origin: germline.
Comment: This sequence change replaces leucine, which is neutral and non-polar, with serine, which is neutral and polar, at codon 2080 of the BRCA2 protein (p.Leu2080Ser). This variant is not present in population databases (gnomAD no frequency). This variant has not been reported in the literature in individuals affected with BRCA2-related conditions. ClinVar contains an entry for this variant (Variation ID: 1523200). Invitae Evidence Modeling of protein sequence and biophysical properties (such as structural, functional, and spatial information, amino acid conservation, physicochemical variation, residue mobility, and thermodynamic stability) indicates that this missense variant is not expected to disrupt BRCA2 protein function with a negative predictive value of 95%. In summary, the available evidence is currently insufficient to determine the role of this variant in disease. Therefore, it has been classified as a Variant of Uncertain Significance.

All of Us Research Program, National Institutes of Health
Classification: Uncertain significance for Breast-ovarian cancer, familial, susceptibility to, 2. Last evaluated: 2023-05-04. Review status: criteria provided, single submitter. Criteria: ACMG Guidelines, 2015. Collection method: clinical testing. Allele origin: germline. Inheritance: Autosomal dominant inheritance. Observed: 1 variant allele, 1 heterozygote.
Comment: This missense variant replaces leucine with serine at codon 2080 of the BRCA2 protein. Computational prediction is inconclusive regarding the impact of this variant on protein structure and function (internally defined REVEL score threshold 0.5 < inconclusive < 0.7, PMID: 27666373). To our knowledge, functional studies have not been reported for this variant. This variant has not been reported in individuals affected with hereditary cancer in the literature. This variant has not been identified in the general population by the Genome Aggregation Database (gnomAD). The available evidence is insufficient to determine the role of this variant in disease conclusively. Therefore, this variant is classified as a Variant of Uncertain Significance.

This study involves interpretation of variants in research participants for the purpose of population health screening. Participant phenotype was not available at the time of variant classification. Additional details can be found in publication PMID: 35346344, PMCID: PMC8962531

University of Washington Department of Laboratory Medicine, University of Washington
Classification: Likely benign for Hereditary cancer-predisposing syndrome. Last evaluated: 2023-03-23. Review status: criteria provided, single submitter. Criteria: Dines et al. (Genet Med. 2020). Collection method: curation. Allele origin: germline.
Comment: Missense variant in a coldspot region where missense variants are very unlikely to be pathogenic (PMID:31911673).

BRCA2 exon 11 coldspot. Reclassification based on statistical prior probability.